The following is an entry in ClinVar:

NM_005506.4(SCARB2):c.1067T>C (p.Met356Thr)

Gene: SCARB2 (scavenger receptor class B member 2; minus strand). Cytogenetic location: 4q21.1.
Variant type: single nucleotide variant.
Coding change: c.1067T>C on transcript NM_005506.4 (MANE Select); coding-DNA position 1067, T replaced by C.
Protein change: p.Met356Thr; replaces methionine 356 with threonine.
Molecular consequence: missense variant.
Genome position (GRCh38, 1-based): chr4:76,169,913, A>G on the plus strand (T>C on the coding strand, the complement: SCARB2 is on the minus strand). VCF-style: chr4-76169913-A-G. GRCh37 (hg19) VCF-style: chr4-77091066-A-G.
Other names: c.638T>C, p.Met213Thr (NM_001204255.2); short protein forms M356T, M213T.
Identifiers: ClinVar variation 577732 (VCV000577732.7), dbSNP rs1010410881, ClinGen allele CA99888687.

ClinVar aggregate classification (germline): Uncertain significance. Review status: criteria provided, multiple submitters, no conflicts (2 of 4 stars). 2 submissions from 2 submitters: Uncertain significance (2). Last evaluated 2021-09-01.

Conditions:
Progressive myoclonic epilepsy. Also called: Familial progressive myoclonic epilepsy; Myoclonic Epilepsies, Progressive; Myoclonus epilepsy; Progressive myoclonus epilepsy. Identifiers: Orphanet 308, Orphanet 98261, MedGen C0751778, MONDO:0020074.

Allele frequency attached by ClinVar (database versions not stated): gnomAD exomes below 0.00001 and 0.00003; gnomAD 0.00001; TOPMed 0.00001.
gnomAD v4.1: 41 of 1,614,004 alleles (0.0025%); highest among the groups gnomAD compares: Non-Finnish European, 0.0034%; no homozygotes.

Submissions (2):

Labcorp Genetics (formerly Invitae), Labcorp
Classification: Uncertain significance for Progressive myoclonic epilepsy. Last evaluated: 2021-09-01. Review status: criteria provided, single submitter. Criteria: Invitae Variant Classification Sherloc (09022015). Collection method: clinical testing. Allele origin: germline.
Comment: This sequence change replaces methionine with threonine at codon 356 of the SCARB2 protein (p.Met356Thr). The methionine residue is highly conserved and there is a moderate physicochemical difference between methionine and threonine. This variant is not present in population databases (ExAC no frequency). This variant has not been reported in the literature in individuals affected with SCARB2-related conditions. Algorithms developed to predict the effect of missense changes on protein structure and function (SIFT, PolyPhen-2, Align-GVGD) all suggest that this variant is likely to be disruptive. In summary, the available evidence is currently insufficient to determine the role of this variant in disease. Therefore, it has been classified as a Variant of Uncertain Significance.

GeneDx
Classification: Uncertain significance. Last evaluated: 2019-04-11. Review status: criteria provided, single submitter. Criteria: GeneDx Variant Classification Process June 2021. Collection method: clinical testing. Allele origin: germline. Affected: yes.
Comment: Has not been previously published as pathogenic or benign to our knowledge; Not observed at a significant frequency in large population cohorts (Lek et al., 2016); In silico analysis, which includes protein predictors and evolutionary conservation, supports a deleterious effect